The following is an entry in ClinVar:

ClinVar aggregate classification (germline): Uncertain significance (1 of 4 stars; one submission).

Conditions:
Cardiovascular phenotype. Identifiers: MedGen CN230736.

Submission:

Ambry Genetics
Classification: Uncertain significance for Cardiovascular phenotype. Last evaluated: 2026-08-24. Review status: criteria provided, single submitter. Criteria: Ambry Variant Classification Scheme 2023. Collection method: clinical testing. Allele origin: germline.
Comment: The c.1128+5G>A intronic variant results from a G to A substitution 5 nucleotides after coding exon 5 in the KCNH2 gene. This nucleotide position is highly conserved in available vertebrate species. In silico splice site analysis predicts that this alteration will not have any significant effect on splicing. Based on the available evidence, the clinical significance of this variant remains unclear.

NM_000238.4(KCNH2):c.1128+5G>A

Gene: KCNH2 (potassium voltage-gated channel subfamily H member 2; minus strand). Cytogenetic location: 7q36.1.
Variant type: single nucleotide variant.
Coding change: c.1128+5G>A on transcript NM_000238.4 (MANE Select); 5 bases into the intron after coding-DNA position 1128, G replaced by A.
Molecular consequence: intron variant.
Genome position (GRCh38, 1-based): chr7:150,957,286, C>T on the plus strand (G>A on the coding strand, the complement: KCNH2 is on the minus strand). VCF-style: chr7-150957286-C-T. GRCh37 (hg19) VCF-style: chr7-150654374-C-T.
Other names: c.840+5G>A (NM_001406753.1, NM_001406756.1); c.1128+5G>A (NM_172056.3); c.951+5G>A (NM_001406755.1); c.828+5G>A (NM_001406757.1).
Identifiers: ClinVar variation 1799497 (VCV001799497.3), dbSNP rs2486080539, ClinGen allele CA2580077674.